The following is an entry in ClinVar:

ClinVar aggregate classification (germline): Uncertain significance (1 of 4 stars; one submission).

Conditions:
Early-infantile DEE. Also called: Early infantile epileptic encephalopathy; Ohtahara syndrome; Early infantile epileptic encephalopathy with suppression bursts. Identifiers: Orphanet 1934, MedGen C0393706, MONDO:0800491.

Submission:

Labcorp Genetics (formerly Invitae), Labcorp
Classification: Uncertain significance for Early-infantile DEE. Last evaluated: 2024-03-07. Review status: criteria provided, single submitter. Criteria: Invitae Variant Classification Sherloc (09022015). Collection method: clinical testing. Allele origin: germline.
Comment: This sequence change replaces arginine, which is basic and polar, with glycine, which is neutral and non-polar, at codon 1040 of the SCN1A protein (p.Arg1040Gly). This variant is not present in population databases (gnomAD no frequency). This variant has not been reported in the literature in individuals affected with SCN1A-related conditions. Advanced modeling of protein sequence and biophysical properties (such as structural, functional, and spatial information, amino acid conservation, physicochemical variation, residue mobility, and thermodynamic stability) performed at Invitae indicates that this missense variant is not expected to disrupt SCN1A protein function with a negative predictive value of 95%. In summary, the available evidence is currently insufficient to determine the role of this variant in disease. Therefore, it has been classified as a Variant of Uncertain Significance.

NM_001165963.4(SCN1A):c.3118A>G (p.Arg1040Gly)

Genes: SCN1A (sodium voltage-gated channel alpha subunit 1; minus strand), LOC102724058 (uncharacterized LOC102724058; plus strand). Cytogenetic location: 2q24.3.
Variant type: single nucleotide variant.
Coding change: c.3118A>G on transcript NM_001165963.4 (MANE Select); coding-DNA position 3118, A replaced by G.
Protein change: p.Arg1040Gly; replaces arginine 1040 with glycine.
Molecular consequence: missense variant. On other transcripts: non-coding transcript variant (2).
Genome position (GRCh38, 1-based): chr2:166,036,359, T>C on the plus strand (A>G on the coding strand, the complement: SCN1A is on the minus strand). VCF-style: chr2-166036359-T-C. GRCh37 (hg19) VCF-style: chr2-166892869-T-C.
Other names: c.3034A>G, p.Arg1012Gly (NM_001165964.3, NM_001353957.2, NM_001353958.2); c.3118A>G, p.Arg1040Gly (NM_001202435.3, NM_001353948.2); c.3085A>G, p.Arg1029Gly (NM_001353949.2, NM_001353950.2, NM_001353951.2 and 2 more transcripts); c.3082A>G, p.Arg1028Gly (NM_001353954.2, NM_001353955.2); c.3031A>G, p.Arg1011Gly (NM_001353960.2); c.676A>G, p.Arg226Gly (NM_001353961.2); short protein forms R1029G, R1012G, R1028G, R1040G, R1011G, R226G.
Identifiers: ClinVar variation 3634031 (VCV003634031.2).